The following is an entry in ClinVar:

ClinVar aggregate classification (germline): Uncertain significance (1 of 4 stars; one submission).

Conditions:
Spastic paraplegia. Identifiers: MedGen C0037772, HP:0001258.

Allele frequency attached by ClinVar (database versions not stated): gnomAD exomes 0.00001.
gnomAD v4.1: 10 of 1,341,594 alleles (0.00075%); highest among the groups gnomAD compares: Non-Finnish European, 0.00089%; no homozygotes.

Submission:

Labcorp Genetics (formerly Invitae), Labcorp
Classification: Uncertain significance for Spastic paraplegia. Last evaluated: 2022-07-26. Review status: criteria provided, single submitter. Criteria: Invitae Variant Classification Sherloc (09022015). Collection method: clinical testing. Allele origin: germline.
Comment: In summary, the available evidence is currently insufficient to determine the role of this variant in disease. Therefore, it has been classified as a Variant of Uncertain Significance. Algorithms developed to predict the effect of missense changes on protein structure and function (SIFT, PolyPhen-2, Align-GVGD) all suggest that this variant is likely to be disruptive. This variant has not been reported in the literature in individuals affected with GJC2-related conditions. This variant is not present in population databases (gnomAD no frequency). This sequence change replaces threonine, which is neutral and polar, with methionine, which is neutral and non-polar, at codon 10 of the GJC2 protein (p.Thr10Met).

NM_020435.4(GJC2):c.29C>T (p.Thr10Met)

Gene: GJC2 (gap junction protein gamma 2; plus strand). Cytogenetic location: 1q42.13.
Variant type: single nucleotide variant.
Coding change: c.29C>T on transcript NM_020435.4 (MANE Select); coding-DNA position 29, C replaced by T.
Protein change: p.Thr10Met; replaces threonine 10 with methionine.
Molecular consequence: missense variant.
Genome position (GRCh38, 1-based): chr1:228,157,787, C>T. VCF-style: chr1-228157787-C-T. GRCh37 (hg19) VCF-style: chr1-228345488-C-T.
Other names: short protein forms T10M.
Identifiers: ClinVar variation 2195075 (VCV002195075.4), dbSNP rs2527875070, ClinGen allele CA345096752.